The following is an entry in ClinVar:

NM_015450.3(POT1):c.548T>C (p.Val183Ala)

Gene: POT1 (protection of telomeres 1; minus strand). Cytogenetic location: 7q31.33.
Variant type: single nucleotide variant.
Coding change: c.548T>C on transcript NM_015450.3 (MANE Select); coding-DNA position 548, T replaced by C.
Protein change: p.Val183Ala; replaces valine 183 with alanine.
Molecular consequence: missense variant. On other transcripts: non-coding transcript variant (3).
Genome position (GRCh38, 1-based): chr7:124,859,111, A>G on the plus strand (T>C on the coding strand, the complement: POT1 is on the minus strand). VCF-style: chr7-124859111-A-G. GRCh37 (hg19) VCF-style: chr7-124499165-A-G.
Other names: c.155T>C, p.Val52Ala (NM_001042594.2); short protein forms V52A, V183A.
Identifiers: ClinVar variation 3671771 (VCV003671771.2).

ClinVar aggregate classification (germline): Uncertain significance (1 of 4 stars; one submission).

Conditions:
Tumor predisposition syndrome 3 (TPDS3). Also called: Glioma susceptibility 9; LONG TELOMERE SYNDROME, POT1-RELATED; POT1 Tumor Predisposition; Melanoma, cutaneous malignant, susceptibility to, 10. Identifiers: Orphanet 618, MedGen C4014476, MONDO:0014368, OMIM 615848.

gnomAD v4.1: 1 of 1,554,258 alleles (0.000064%); highest among the groups gnomAD compares: African/African-American, 0.0014%; no homozygotes.

Submission:

Labcorp Genetics (formerly Invitae), Labcorp
Classification: Uncertain significance for Tumor predisposition syndrome 3. Last evaluated: 2024-12-10. Review status: criteria provided, single submitter. Criteria: Invitae Variant Classification Sherloc (09022015). Collection method: clinical testing. Allele origin: germline.
Comment: This sequence change replaces valine, which is neutral and non-polar, with alanine, which is neutral and non-polar, at codon 183 of the POT1 protein (p.Val183Ala). This variant is not present in population databases (gnomAD no frequency). This variant has not been reported in the literature in individuals affected with POT1-related conditions. An algorithm developed to predict the effect of missense changes on protein structure and function (PolyPhen-2) suggests that this variant is likely to be disruptive. In summary, the available evidence is currently insufficient to determine the role of this variant in disease. Therefore, it has been classified as a Variant of Uncertain Significance.